The following is an entry in ClinVar:

ClinVar aggregate classification (germline): Uncertain significance (1 of 4 stars; one submission).

Conditions:
Polyhydramnios, megalencephaly, and symptomatic epilepsy (PMSE). Also called: PMSE SYNDROME. Identifiers: Orphanet 500533, MedGen C1970203, MONDO:0012611, OMIM 611087.

Allele frequency attached by ClinVar (database versions not stated): gnomAD exomes 0.00001; TOPMed 0.00005.
gnomAD v4.1: 3 of 1,614,218 alleles (0.00019%); highest among the groups gnomAD compares: Admixed American, 0.005%; no homozygotes.

Submission:

Labcorp Genetics (formerly Invitae), Labcorp
Classification: Uncertain significance for Polyhydramnios, megalencephaly, and symptomatic epilepsy. Last evaluated: 2022-08-23. Review status: criteria provided, single submitter. Criteria: Invitae Variant Classification Sherloc (09022015). Collection method: clinical testing. Allele origin: germline.
Comment: This sequence change replaces proline, which is neutral and non-polar, with alanine, which is neutral and non-polar, at codon 128 of the STRADA protein (p.Pro128Ala). This variant is present in population databases (no rsID available, gnomAD 0.006%). This variant has not been reported in the literature in individuals affected with STRADA-related conditions. ClinVar contains an entry for this variant (Variation ID: 573054). Algorithms developed to predict the effect of missense changes on protein structure and function (SIFT, PolyPhen-2, Align-GVGD) all suggest that this variant is likely to be tolerated. In summary, the available evidence is currently insufficient to determine the role of this variant in disease. Therefore, it has been classified as a Variant of Uncertain Significance.

NM_001003787.4(STRADA):c.382C>G (p.Pro128Ala)

Gene: STRADA (STE20 related adaptor alpha; minus strand). Cytogenetic location: 17q23.3.
Variant type: single nucleotide variant.
Coding change: c.382C>G on transcript NM_001003787.4 (MANE Select); coding-DNA position 382, C replaced by G.
Protein change: p.Pro128Ala; replaces proline 128 with alanine.
Molecular consequence: missense variant. On other transcripts: non-coding transcript variant (1).
Genome position (GRCh38, 1-based): chr17:63,710,803, G>C on the plus strand (C>G on the coding strand, the complement: STRADA is on the minus strand). VCF-style: chr17-63710803-G-C. GRCh37 (hg19) VCF-style: chr17-61788163-G-C.
Other names: c.271C>G, p.Pro91Ala (NM_001003786.3, NM_001363789.1, NM_153335.6); c.208C>G, p.Pro70Ala (NM_001003788.3, NM_001363790.1, NM_001363791.1); c.295C>G, p.Pro99Ala (NM_001165969.2, NM_001363787.1); c.250C>G, p.Pro84Ala (NM_001165970.2); c.358C>G, p.Pro120Ala (NM_001363786.1); c.382C>G, p.Pro128Ala (NM_001363788.1); short protein forms P128A, P91A, P99A, P120A, P70A, P84A.
Identifiers: ClinVar variation 573054 (VCV000573054.8), dbSNP rs1451039260, ClinGen allele CA400593119.
Genomic context (GRCh38, chr17:63,710,803, plus strand): 5'-ATGTGACAACCCACAGCTCATTGTCTGCAATAAAAGTGGCTCGATATGGCACGATATTGG[G>C]ATGGTTGAAGAGTTTGGAGACATGCAGCTCGCCCTGGAAGCAATGATGAAGCTGAAGTCA-3'
Protein context (NP_001003787.1, residues 118-138): ELHVSKLFNH[Pro128Ala]NIVPYRATFI